The following is an entry in ClinVar:

NM_000522.5(HOXA13):c.849C>T (p.Asn283=)

Genes: HOXA13 (homeobox A13; minus strand), LOC107126288 (NUP98-HOXA13 recombination region; plus strand). Cytogenetic location: 7p15.2.
Variant type: single nucleotide variant.
Coding change: c.849C>T on transcript NM_000522.5 (MANE Select); coding-DNA position 849, C replaced by T.
Protein change: p.Asn283=; no amino-acid change (asparagine 283 retained).
Molecular consequence: synonymous variant.
Genome position (GRCh38, 1-based): chr7:27,199,229, G>A on the plus strand (C>T on the coding strand, the complement: HOXA13 is on the minus strand). VCF-style: chr7-27199229-G-A. GRCh37 (hg19) VCF-style: chr7-27238848-G-A.
Identifiers: ClinVar variation 3033277 (VCV003033277.2), dbSNP rs773498524, ClinGen allele CA4198609.
Genomic context (GRCh38, chr7:27,199,229, plus strand): 5'-CTTCCAGAGGTGGGGAGGCTGCGCCTGCTCTTTGGGGCAGTACATTTGGCCGTTCCAGCC[G>A]TTGGGCAGCGCCCAGGGCTGGTAGCTTTCCATGGGAAGACCCAAGGGTTCGTGGCGCGAC-3'
Protein context (NP_000513.2, residues 273-293): MESYQPWALP[Asn283=]GWNGQMYCPK

ClinVar aggregate classification (germline): Likely benign (0 of 4 stars; one submission).

Conditions:
HOXA13-related disorder. Also called: HOXA13-related condition.

Allele frequency attached by ClinVar (database versions not stated): TOPMed below 0.00001; gnomAD 0.00001; ExAC 0.00003.
gnomAD v4.1: 17 of 1,613,582 alleles (0.0011%); highest among the groups gnomAD compares: South Asian, 0.0033%; no homozygotes.

Submission:

PreventionGenetics, part of Exact Sciences
Classification: Likely benign for HOXA13-related condition. Last evaluated: 2019-06-21. Review status: no assertion criteria provided. Collection method: clinical testing. Allele origin: germline.
Comment: This variant is classified as likely benign based on ACMG/AMP sequence variant interpretation guidelines (Richards et al. 2015 PMID: 25741868, with internal and published modifications).